The following is an entry in ClinVar:

NM_004281.4(BAG3):c.1591G>A (p.Ala531Thr)

Gene: BAG3 (BAG cochaperone 3; plus strand). Cytogenetic location: 10q26.11.
Variant type: single nucleotide variant.
Coding change: c.1591G>A on transcript NM_004281.4 (MANE Select); coding-DNA position 1591, G replaced by A.
Protein change: p.Ala531Thr; replaces alanine 531 with threonine.
Molecular consequence: missense variant.
Genome position (GRCh38, 1-based): chr10:119,677,145, G>A. VCF-style: chr10-119677145-G-A. GRCh37 (hg19) VCF-style: chr10-121436657-G-A.
Other names: short protein forms A531T.
Identifiers: ClinVar variation 3474790 (VCV003474790.1).

ClinVar aggregate classification (germline): Uncertain significance (1 of 4 stars; one submission).

Conditions:
Cardiovascular phenotype. Identifiers: MedGen CN230736.

Submission:

Ambry Genetics
Classification: Uncertain significance for Cardiovascular phenotype. Last evaluated: 2024-08-25. Review status: criteria provided, single submitter. Criteria: Ambry Variant Classification Scheme 2023. Collection method: clinical testing. Allele origin: germline.
Comment: The p.A531T variant (also known as c.1591G>A), located in coding exon 4 of the BAG3 gene, results from a G to A substitution at nucleotide position 1591. The alanine at codon 531 is replaced by threonine, an amino acid with similar properties. This amino acid position is conserved. In addition, this alteration is predicted to be tolerated by in silico analysis. Based on the available evidence, the clinical significance of this variant remains unclear.